The following is an entry in ClinVar:

ClinVar aggregate classification (germline): Uncertain significance (1 of 4 stars; one submission).

Conditions:
Singleton-Merten syndrome 1 (SGMRT1). Also called: Widened medullary cavities of bone, aortic calcification, abnormal dentition, and muscular weakness; Syndrome of widened medullary cavities of the metacarpals and phalanges, aortic calcification and abnormal dentition. Identifiers: Orphanet 85191, MedGen C4225427, MONDO:0024535, OMIM 182250.
Aicardi-Goutieres syndrome 7 (AGS7). Identifiers: Orphanet 51, MedGen C3888244, MONDO:0014367, OMIM 615846.

Allele frequency attached by ClinVar (database versions not stated): gnomAD 0.00001.
gnomAD v4.1: 3 of 1,612,980 alleles (0.00019%); highest among the groups gnomAD compares: Admixed American, 0.005%; no homozygotes.

Submission:

Labcorp Genetics (formerly Invitae), Labcorp
Classification: Uncertain significance for Aicardi-Goutieres syndrome 7; Singleton-Merten syndrome 1. Last evaluated: 2025-12-10. Review status: criteria provided, single submitter. Criteria: Invitae Variant Classification Sherloc (09022015). Collection method: clinical testing. Allele origin: germline.
Comment: This sequence change replaces histidine, which is basic and polar, with leucine, which is neutral and non-polar, at codon 895 of the IFIH1 protein (p.His895Leu). This variant is not present in population databases (gnomAD no frequency). This variant has not been reported in the literature in individuals affected with IFIH1-related conditions. ClinVar contains an entry for this variant (Variation ID: 1014778). An algorithm developed to predict the effect of missense changes on protein structure and function outputs the following: PolyPhen-2: "Benign". The leucine amino acid residue is found in multiple mammalian species, which suggests that this missense change does not adversely affect protein function. In summary, the available evidence is currently insufficient to determine the role of this variant in disease. Therefore, it has been classified as a Variant of Uncertain Significance.

NM_022168.4(IFIH1):c.2684A>T (p.His895Leu)

Gene: IFIH1 (interferon induced with helicase C domain 1; minus strand). Cytogenetic location: 2q24.2.
Variant type: single nucleotide variant.
Coding change: c.2684A>T on transcript NM_022168.4 (MANE Select); coding-DNA position 2684, A replaced by T.
Protein change: p.His895Leu; replaces histidine 895 with leucine.
Molecular consequence: missense variant.
Genome position (GRCh38, 1-based): chr2:162,268,210, T>A on the plus strand (A>T on the coding strand, the complement: IFIH1 is on the minus strand). VCF-style: chr2-162268210-T-A. GRCh37 (hg19) VCF-style: chr2-163124720-T-A.
Other names: short protein forms H895L.
Identifiers: ClinVar variation 1014778 (VCV001014778.6), dbSNP rs948646167, ClinGen allele CA59652931.